The following is an entry in ClinVar:

NM_025137.4(SPG11):c.1121C>G (p.Ser374Cys)

Gene: SPG11 (SPG11 vesicle trafficking associated, spatacsin; minus strand). Cytogenetic location: 15q21.1.
Variant type: single nucleotide variant.
Coding change: c.1121C>G on transcript NM_025137.4 (MANE Select); coding-DNA position 1121, C replaced by G.
Protein change: p.Ser374Cys; replaces serine 374 with cysteine.
Molecular consequence: missense variant.
Genome position (GRCh38, 1-based): chr15:44,651,826, G>C on the plus strand (C>G on the coding strand, the complement: SPG11 is on the minus strand). VCF-style: chr15-44651826-G-C. GRCh37 (hg19) VCF-style: chr15-44944024-G-C.
Other names: c.1121C>G, p.Ser374Cys (NM_001160227.2); short protein forms S374C.
Identifiers: ClinVar variation 842706 (VCV000842706.11), dbSNP rs144403346, ClinGen allele CA7535617.

ClinVar aggregate classification (germline): Conflicting classifications of pathogenicity. Review status: criteria provided, conflicting classifications (1 of 4 stars). 5 submissions from 3 submitters: Uncertain significance (4); Likely benign (1). Last evaluated 2026-01-21.

Conditions:
Hereditary spastic paraplegia 11. Also called: Spastic paraplegia, mental retardation and thin corpus callosum; Nakamura Osame syndrome; Autosomal recessive hereditary spastic paraplegia, mental impairment, and thin corpus callosum; SPASTIC PARAPLEGIA, AUTOSOMAL RECESSIVE, COMPLICATED, WITH THIN CORPUS CALLOSUM; SPASTIC PARAPLEGIA, AUTOSOMAL RECESSIVE, WITH MENTAL IMPAIRMENT AND THIN CORPUS CALLOSUM; Spastic Paraplegia 11. Identifiers: Orphanet 2822, MedGen C1858479, MONDO:0011445, OMIM 604360.
Amyotrophic lateral sclerosis type 5 (ALS5). Also called: AMYOTROPHIC LATERAL SCLEROSIS 5, JUVENILE. Identifiers: Orphanet 300605, MedGen C1865864, MONDO:0011196, OMIM 602099.
Charcot-Marie-Tooth disease axonal type 2X. Also called: CHARCOT-MARIE-TOOTH DISEASE, AXONAL, AUTOSOMAL RECESSIVE, TYPE 2X; CHARCOT-MARIE-TOOTH NEUROPATHY, TYPE 2X. Identifiers: Orphanet 466775, MedGen C5569024, MONDO:0014726, OMIM 616668.

Allele frequency attached by ClinVar (database versions not stated): gnomAD exomes 0.00001 and 0.00002; ExAC 0.00004; ESP Exome Variant Server 0.00008; gnomAD 0.00014 and 0.00015; 1000 Genomes Project 30x 0.00016; TOPMed 0.00016; 1000 Genomes Project 0.00020.
gnomAD v4.1: 42 of 1,614,114 alleles (0.0026%); highest among the groups gnomAD compares: African/African-American, 0.053%; no homozygotes.

Submissions (5):

Labcorp Genetics (formerly Invitae), Labcorp
Classification: Likely benign for Hereditary spastic paraplegia 11. Last evaluated: 2026-01-21. Review status: criteria provided, single submitter. Criteria: Invitae Variant Classification Sherloc (09022015). Collection method: clinical testing. Allele origin: germline.

GeneDx
Classification: Uncertain significance. Last evaluated: 2023-10-08. Review status: criteria provided, single submitter. Criteria: GeneDx Variant Classification Process June 2021. Collection method: clinical testing. Allele origin: germline. Affected: yes.
Comment: In silico analysis supports that this missense variant does not alter protein structure/function; Has not been previously published as pathogenic or benign to our knowledge

Genome-Nilou Lab
Classification: Uncertain significance for Amyotrophic lateral sclerosis type 5. Review status: criteria provided, single submitter. Criteria: ACMG Guidelines, 2015. Collection method: clinical testing. Allele origin: germline.

Genome-Nilou Lab
Classification: Uncertain significance for Charcot-Marie-Tooth disease axonal type 2X. Review status: criteria provided, single submitter. Criteria: ACMG Guidelines, 2015. Collection method: clinical testing. Allele origin: germline.

Genome-Nilou Lab
Classification: Uncertain significance for Hereditary spastic paraplegia 11. Review status: criteria provided, single submitter. Criteria: ACMG Guidelines, 2015. Collection method: clinical testing. Allele origin: germline.